The following is an entry in ClinVar:

ClinVar aggregate classification (germline): Uncertain significance (1 of 4 stars; one submission).

Conditions:
Hereditary cancer-predisposing syndrome. Also called: Hereditary Cancer Syndrome; Tumor predisposition; Hereditary neoplastic syndrome; Neoplastic Syndromes, Hereditary. Identifiers: Orphanet 140162, MedGen C0027672, MeSH D009386, MONDO:0015356.

Submission:

Ambry Genetics
Classification: Uncertain significance for Hereditary cancer-predisposing syndrome. Last evaluated: 2024-11-24. Review status: criteria provided, single submitter. Criteria: Ambry Variant Classification Scheme 2023. Collection method: clinical testing. Allele origin: germline.
Comment: The p.L871V variant (also known as c.2611C>G), located in coding exon 19 of the MSH3 gene, results from a C to G substitution at nucleotide position 2611. The leucine at codon 871 is replaced by valine, an amino acid with highly similar properties. This amino acid position is conserved. In addition, this alteration is predicted to be tolerated by in silico analysis. Based on the available evidence, the clinical significance of this variant remains unclear.

NM_002439.5(MSH3):c.2611C>G (p.Leu871Val)

Gene: MSH3 (mutS homolog 3; plus strand). Cytogenetic location: 5q14.1.
Variant type: single nucleotide variant.
Coding change: c.2611C>G on transcript NM_002439.5 (MANE Select); coding-DNA position 2611, C replaced by G.
Protein change: p.Leu871Val; replaces leucine 871 with valine.
Molecular consequence: missense variant.
Genome position (GRCh38, 1-based): chr5:80,792,800, C>G. VCF-style: chr5-80792800-C-G. GRCh37 (hg19) VCF-style: chr5-80088619-C-G.
Other names: short protein forms L871V.
Identifiers: ClinVar variation 3398778 (VCV003398778.1).